The following is an entry in ClinVar:

NM_001267550.2(TTN):c.26201-66C>T

Gene: TTN (titin; minus strand). Cytogenetic location: 2q31.2.
Variant type: single nucleotide variant.
Coding change: c.26201-66C>T on transcript NM_001267550.2 (MANE Select); 66 bases into the intron before coding-DNA position 26201, C replaced by T.
Molecular consequence: intron variant.
Genome position (GRCh38, 1-based): chr2:178,714,639, G>A on the plus strand (C>T on the coding strand, the complement: TTN is on the minus strand). VCF-style: chr2-178714639-G-A. GRCh37 (hg19) VCF-style: chr2-179579366-G-A.
Other names: c.13282+23443C>T (NM_003319.4); c.13858+23443C>T (NM_133437.4); c.13657+23443C>T (NM_133432.3); c.22469-66C>T (NM_133378.4); c.25250-66C>T (NM_001256850.1).
Identifiers: ClinVar variation 673410 (VCV000673410.2), dbSNP rs2627044, ClinGen allele CA11091755.

ClinVar aggregate classification (germline): Benign. Review status: criteria provided, multiple submitters, no conflicts (2 of 4 stars). 2 submissions from 2 submitters: Benign (2). Last evaluated 2018-06-14.

Allele frequency attached by ClinVar (database versions not stated): gnomAD exomes 0.03185; gnomAD 0.04927 and 0.05009; TOPMed 0.05255; 1000 Genomes Project 30x 0.07698; 1000 Genomes Project 0.08007.
gnomAD v4.1: 49,942 of 1,472,536 alleles (3.4%); highest among the groups gnomAD compares: East Asian, 19%; 1,678 homozygotes.

Submissions (2):

GeneDx
Classification: Benign. Last evaluated: 2018-06-14. Review status: criteria provided, single submitter. Criteria: GeneDx Variant Classification (06012015). Collection method: clinical testing. Allele origin: germline. Affected: yes.
Comment: This variant is considered likely benign or benign based on one or more of the following criteria: it is a conservative change, it occurs at a poorly conserved position in the protein, it is predicted to be benign by multiple in silico algorithms, and/or has population frequency not consistent with disease.

Breakthrough Genomics
Classification: Benign. Review status: criteria provided, single submitter. Criteria: ACMG Guidelines, 2015. Collection method: not provided. Allele origin: germline. Inheritance: Autosomal recessive inheritance. Affected: yes.